The following is an entry in ClinVar:

NM_001105206.3(LAMA4):c.4324G>A (p.Val1442Ile)

Gene: LAMA4 (laminin subunit alpha 4; minus strand). Cytogenetic location: 6q21.
Variant type: single nucleotide variant.
Coding change: c.4324G>A on transcript NM_001105206.3 (MANE Select); coding-DNA position 4324, G replaced by A.
Protein change: p.Val1442Ile; replaces valine 1442 with isoleucine.
Molecular consequence: missense variant.
Genome position (GRCh38, 1-based): chr6:112,122,165, C>T on the plus strand (G>A on the coding strand, the complement: LAMA4 is on the minus strand). VCF-style: chr6-112122165-C-T. GRCh37 (hg19) VCF-style: chr6-112443368-C-T.
Other names: c.4303G>A, p.Val1435Ile (NM_001105207.3, NM_002290.5); short protein forms V1435I, V1442I.
Identifiers: ClinVar variation 2562639 (VCV002562639.2), dbSNP rs2546980508, ClinGen allele CA365371252.

ClinVar aggregate classification (germline): Uncertain significance (1 of 4 stars; one submission).

Conditions:
Cardiovascular phenotype. Identifiers: MedGen CN230736.

Submission:

Ambry Genetics
Classification: Uncertain significance for Cardiovascular phenotype. Last evaluated: 2023-06-05. Review status: criteria provided, single submitter. Criteria: Ambry Variant Classification Scheme 2023. Collection method: clinical testing. Allele origin: germline.
Comment: The p.V1435I variant (also known as c.4303G>A), located in coding exon 31 of the LAMA4 gene, results from a G to A substitution at nucleotide position 4303. The valine at codon 1435 is replaced by isoleucine, an amino acid with highly similar properties. This amino acid position is conserved. In addition, this alteration is predicted to be tolerated by in silico analysis. Since supporting evidence is limited at this time, the clinical significance of this alteration remains unclear.